The following is an entry in ClinVar:

ClinVar aggregate classification (germline): Conflicting classifications of pathogenicity. Review status: criteria provided, conflicting classifications (1 of 4 stars). 2 submissions from 2 submitters: Pathogenic (1); Uncertain significance (1). Last evaluated 2025-03-28.

Conditions:
Inborn genetic diseases. Identifiers: MedGen C0950123, MeSH D030342.

Submissions (2):

Women's Health and Genetics/Laboratory Corporation of America, LabCorp
Classification: Uncertain significance. Last evaluated: 2025-03-28. Review status: criteria provided, single submitter. Criteria: LabCorp Variant Classification Summary - May 2015. Collection method: clinical testing. Allele origin: germline.
Comment: Variant summary: NDUFA10 c.858_862dupGGACA (p.Asn288ArgfsX20) results in a premature termination codon, predicted to cause a truncation of the encoded protein or absence of the protein due to nonsense mediated decay, however current evidence is not sufficient to establish loss of function as a mechanism for disease. The variant allele was found at a frequency of 1.2e-05 in 251496 control chromosomes. The available data on variant occurrences in the general population are insufficient to allow any conclusion about variant significance. c.858_862dupGGACA has been reported in the literature in at least one heterozygous individual affected with clinical features of NDUFA10-related conditions, however these report(s) do not provide unequivocal conclusions about association of the variant with Mitochondrial Complex 1 Deficiency, Nuclear Type 22. To our knowledge, no experimental evidence demonstrating an impact on protein function has been reported. The following publication has been ascertained in the context of this evaluation (PMID: 30094188). ClinVar contains an entry for this variant (Variation ID: 3186970). Based on the evidence outlined above, the variant was classified as uncertain significance.

Ambry Genetics
Classification: Pathogenic for Inborn genetic diseases. Last evaluated: 2022-01-31. Review status: criteria provided, single submitter. Criteria: Ambry Variant Classification Scheme 2023. Collection method: clinical testing. Allele origin: germline.
Comment: The c.858_862dupGGACA (p.N288Rfs*20) alteration, located in exon 8 (coding exon 8) of the NDUFA10 gene, consists of a duplication of GGACA at position 858, causing a translational frameshift with a predicted alternate stop codon after 20 amino acids. This alteration is expected to result in loss of function by premature protein truncation or nonsense-mediated mRNA decay. Based on the available evidence, this alteration is classified as pathogenic.

Literature cited by the submitters: PubMed 30094188 (cited by Women's Health and Genetics/Laboratory Corporation of America, LabCorp).

NM_004544.4(NDUFA10):c.858_862dup (p.Asn288fs)

Gene: NDUFA10 (NADH:ubiquinone oxidoreductase subunit A10; minus strand). Cytogenetic location: 2q37.3.
Variant type: Duplication.
Coding change: c.858_862dup on transcript NM_004544.4 (MANE Select); coding-DNA positions 858 to 862, 5 bases duplicated (GGACA; older notation c.858_862dupGGACA).
Protein change: p.Asn288fs; shifts the reading frame from asparagine 288.
Molecular consequence: frameshift variant. On other transcripts: non-coding transcript variant (4).
Genome position (GRCh38, 1-based): chr2:240,005,238-240,005,242, TGTCC duplicated on the plus strand (GGACA on the coding strand, the reverse complement: NDUFA10 is on the minus strand); duplicating any 5 consecutive bases within chr2:240,005,238-240,005,244 gives the same sequence; the c. name uses the placement nearest the transcript's 3' end. VCF-style (leftmost placement, unchanged base first): chr2-240005237-T-TTGTCC. GRCh37 (hg19) VCF-style: chr2-240944654-T-TTGTCC.
Other names: c.858_862dup, p.Asn288fs (NM_001322019.2, NM_001322020.2, NM_001410987.1); c.858_862dupGGACA (NM_004544.4); short protein forms N288fs.
Identifiers: ClinVar variation 3186970 (VCV003186970.2), dbSNP rs764415074, ClinGen allele CA2200828.